The following is an entry in ClinVar:

ClinVar aggregate classification (germline): Uncertain significance (1 of 4 stars; one submission).

Conditions:
Osteogenesis imperfecta type I (OI1). Also called: Osteogenesis imperfecta type 1; Lobstein's Disease; OI, TYPE I; OSTEOGENESIS IMPERFECTA TARDA; OSTEOGENESIS IMPERFECTA WITH BLUE SCLERAE; Lobstein disease. Identifiers: Orphanet 216796, Orphanet 666, MedGen C0023931, MONDO:0008146, OMIM 166200. Disease mechanism: loss of function.

Submission:

Labcorp Genetics (formerly Invitae), Labcorp
Classification: Uncertain significance for Osteogenesis imperfecta type I. Last evaluated: 2023-10-04. Review status: criteria provided, single submitter. Criteria: Invitae Variant Classification Sherloc (09022015). Collection method: clinical testing. Allele origin: germline.
Comment: This sequence change replaces proline, which is neutral and non-polar, with leucine, which is neutral and non-polar, at codon 496 of the COL1A1 protein (p.Pro496Leu). This variant is not present in population databases (gnomAD no frequency). This variant has not been reported in the literature in individuals affected with COL1A1-related conditions. Advanced modeling of protein sequence and biophysical properties (such as structural, functional, and spatial information, amino acid conservation, physicochemical variation, residue mobility, and thermodynamic stability) performed at Invitae indicates that this missense variant is expected to disrupt COL1A1 protein function. In summary, the available evidence is currently insufficient to determine the role of this variant in disease. Therefore, it has been classified as a Variant of Uncertain Significance.

NM_000088.4(COL1A1):c.1487C>T (p.Pro496Leu)

Gene: COL1A1 (collagen type I alpha 1 chain; minus strand). Cytogenetic location: 17q21.33.
Variant type: single nucleotide variant.
Coding change: c.1487C>T on transcript NM_000088.4 (MANE Select); coding-DNA position 1487, C replaced by T.
Protein change: p.Pro496Leu; replaces proline 496 with leucine.
Molecular consequence: missense variant.
Genome position (GRCh38, 1-based): chr17:50,194,601, G>A on the plus strand (C>T on the coding strand, the complement: COL1A1 is on the minus strand). VCF-style: chr17-50194601-G-A. GRCh37 (hg19) VCF-style: chr17-48271962-G-A.
Other names: short protein forms P496L.
Identifiers: ClinVar variation 3002408 (VCV003002408.3), dbSNP rs1362893594, ClinGen allele CA400217393.
Genomic context (GRCh38, chr17:50,194,601, plus strand): 5'-GGGTCAGCCCCCCGGCCGCAAGGAGAGGTTACCTTGGGACCAGCAACACCATCTGCGCCA[G>A]GGAAACCACGGCTACCAGGTCCACCCTGCAGGAGGAGAGGAGGCCAGTGAACTCCGCGAC-3'
Protein context (NP_000079.2, residues 486-506): ERGGPGSRGF[Pro496Leu]GADGVAGPKG